The following is an entry in ClinVar:

NM_006767.4(LZTR1):c.2471T>C (p.Leu824Pro)

Gene: LZTR1 (leucine zipper like post translational regulator 1; plus strand). Cytogenetic location: 22q11.21.
Variant type: single nucleotide variant.
Coding change: c.2471T>C on transcript NM_006767.4 (MANE Select); coding-DNA position 2471, T replaced by C.
Protein change: p.Leu824Pro; replaces leucine 824 with proline.
Molecular consequence: missense variant.
Genome position (GRCh38, 1-based): chr22:20,997,296, T>C. VCF-style: chr22-20997296-T-C. GRCh37 (hg19) VCF-style: chr22-21351585-T-C.
Other names: c.2471T>C (NM_006767.3); short protein forms L824P.
Identifiers: ClinVar variation 634826 (VCV000634826.16), dbSNP rs752239353, ClinGen allele CA10119474.

ClinVar aggregate classification (germline): Uncertain significance. Review status: criteria provided, multiple submitters, no conflicts (2 of 4 stars). 7 submissions from 7 submitters: Uncertain significance (6). 1 of the submissions does not count toward it. Last evaluated 2025-07-29.

Conditions:
LZTR1-related disorder. Also called: LZTR1-related disorders; LZTR1-related condition.
LZTR1-related schwannomatosis. Also called: Schwannomatosis 2; Schwannomatosis-2, susceptibility to. Identifiers: Orphanet 93921, MedGen C3810283, MONDO:0014299, OMIM 615670.
Hereditary cancer-predisposing syndrome. Also called: Tumor predisposition; Neoplastic Syndromes, Hereditary; Hereditary Cancer Syndrome; Hereditary neoplastic syndrome. Identifiers: Orphanet 140162, MedGen C0027672, MeSH D009386, MONDO:0015356.
Cardiovascular phenotype. Identifiers: MedGen CN230736.

Allele frequency attached by ClinVar (database versions not stated): TOPMed below 0.00001; gnomAD 0.00001; gnomAD exomes 0.00001; ExAC 0.00002.
gnomAD v4.1: 5 of 1,613,702 alleles (0.00031%); highest among the groups gnomAD compares: South Asian, 0.0022%; no homozygotes.

Submissions (7):

Labcorp Genetics (formerly Invitae), Labcorp
Classification: Uncertain significance. Last evaluated: 2025-07-29. Review status: criteria provided, single submitter. Criteria: Invitae Variant Classification Sherloc (09022015). Collection method: clinical testing. Allele origin: germline.
Comment: This sequence change replaces leucine, which is neutral and non-polar, with proline, which is neutral and non-polar, at codon 824 of the LZTR1 protein (p.Leu824Pro). This variant is present in population databases (rs752239353, gnomAD 0.006%). This missense change has been observed in individual(s) with autism spectrum disorders (PMID: 30564305). ClinVar contains an entry for this variant (Variation ID: 634826). Invitae Evidence Modeling of protein sequence and biophysical properties (such as structural, functional, and spatial information, amino acid conservation, physicochemical variation, residue mobility, and thermodynamic stability) indicates that this missense variant is not expected to disrupt LZTR1 protein function with a negative predictive value of 80%. In summary, the available evidence is currently insufficient to determine the role of this variant in disease. Therefore, it has been classified as a Variant of Uncertain Significance.

Blueprint Genetics
Classification: Uncertain significance. Last evaluated: 2024-05-03. Review status: criteria provided, single submitter. Criteria: ACMG Guidelines, 2015. Collection method: clinical testing. Allele origin: germline.

Baylor Genetics
Classification: Uncertain significance for LZTR1-related schwannomatosis. Last evaluated: 2024-03-14. Review status: criteria provided, single submitter. Criteria: ACMG Guidelines, 2015. Collection method: clinical testing. Allele origin: unknown.

Ambry Genetics
Classification: Uncertain significance for Cardiovascular phenotype; Hereditary cancer-predisposing syndrome. Last evaluated: 2023-11-22. Review status: criteria provided, single submitter. Criteria: Ambry Variant Classification Scheme 2023. Collection method: clinical testing. Allele origin: germline.
Comment: The p.L824P variant (also known as c.2471T>C), located in coding exon 21 of the LZTR1 gene, results from a T to C substitution at nucleotide position 2471. The leucine at codon 824 is replaced by proline, an amino acid with similar properties. This amino acid position is highly conserved in available vertebrate species. In addition, this alteration is predicted to be deleterious by in silico analysis. Since supporting evidence is limited at this time, the clinical significance of this alteration remains unclear.

Laboratory for Molecular Medicine, Mass General Brigham Personalized Medicine
Classification: Uncertain significance. Last evaluated: 2020-06-09. Review status: criteria provided, single submitter. Criteria: LMM Criteria. Collection method: clinical testing. Allele origin: germline. Observed: 1 variant allele.
Comment: The p.Leu824Pro variant in LZTR1 has not been reported in individuals with a RASopathy. It has been previously reported in 1 individual with autism spectrum disorder, but it was inherited from an unaffected parent (Guo 2018 PMID 30564305). It has also been identified in 1/18392 East Asian and 1/30616 South Asian chromosomes by gnomAD. Computational prediction tools and conservation analyses suggest that this variant may impact the protein, though this information is not predictive enough to determine pathogenicity. In summary, the clinical significance of this variant is uncertain. ACMG/AMP Criteria applied: PP3.

Baylor-Hopkins Center for Mendelian Genomics, Johns Hopkins University School of Medicine
Classification: Uncertain significance for LZTR1-related schwannomatosis. Review status: criteria provided, single submitter. Criteria: ACMG Guidelines, 2015. Collection method: research. Allele origin: unknown. Affected: yes. Observed: 1 variant allele, 1 heterozygote.

PreventionGenetics, part of Exact Sciences
Classification: Uncertain significance for LZTR1-related condition. Last evaluated: 2024-04-18. Review status: no assertion criteria provided. Collection method: clinical testing. Allele origin: germline. Not counted in ClinVar's aggregate classification.
Comment: The LZTR1 c.2471T>C variant is predicted to result in the amino acid substitution p.Leu824Pro. This variant was reported in an individual with autism spectrum disorder (Additional file 5, Guo et al. 2018. PubMed ID: 30564305). This variant is reported in 0.0054% of alleles in individuals of East Asian descent in gnomAD. At this time, the clinical significance of this variant is uncertain due to the absence of conclusive functional and genetic evidence.

Literature cited by the submitters: PubMed 30564305 (cited by Labcorp Genetics (formerly Invitae), Labcorp and Laboratory for Molecular Medicine, Mass General Brigham Personalized Medicine).